The following is an entry in ClinVar:

NM_016111.4(TELO2):c.1282-1G>T

Gene: TELO2 (telomere maintenance 2; plus strand). Cytogenetic location: 16p13.3.
Variant type: single nucleotide variant.
Coding change: c.1282-1G>T on transcript NM_016111.4 (MANE Select); the canonical splice acceptor site of the intron before coding-DNA position 1282, G replaced by T.
Molecular consequence: splice acceptor variant.
Genome position (GRCh38, 1-based): chr16:1,501,419, G>T. VCF-style: chr16-1501419-G-T. GRCh37 (hg19) VCF-style: chr16-1551420-G-T.
Other names: c.1282-1G>T (NM_001351846.2).
Identifiers: ClinVar variation 4716134 (VCV004716134.1).

ClinVar aggregate classification (germline): Likely pathogenic (1 of 4 stars; one submission).

gnomAD v4.1: 3 of 1,612,400 alleles (0.00019%); highest among the groups gnomAD compares: Non-Finnish European, 0.00025%; no homozygotes.

Submission:

Labcorp Genetics (formerly Invitae), Labcorp
Classification: Likely pathogenic. Last evaluated: 2025-04-01. Review status: criteria provided, single submitter. Criteria: Invitae Variant Classification Sherloc (09022015). Collection method: clinical testing. Allele origin: germline.
Comment: This sequence change affects an acceptor splice site in intron 9 of the TELO2 gene. It is expected to disrupt RNA splicing. Variants that disrupt the donor or acceptor splice site typically lead to a loss of protein function (PMID: 16199547), and loss-of-function variants in TELO2 are known to be pathogenic (PMID: 28944240). This variant is not present in population databases (gnomAD no frequency). This variant has not been reported in the literature in individuals affected with TELO2-related conditions. Algorithms developed to predict the effect of sequence changes on RNA splicing suggest that this variant may disrupt the consensus splice site. In summary, the currently available evidence indicates that the variant is pathogenic, but additional data are needed to prove that conclusively. Therefore, this variant has been classified as Likely Pathogenic.

Literature cited by the submitters: PubMed 16199547; PubMed 28944240.